The following is an entry in ClinVar:

NM_001853.4(COL9A3):c.416del (p.Gly139fs)

Gene: COL9A3 (collagen type IX alpha 3 chain; plus strand). Cytogenetic location: 20q13.33.
Variant type: Deletion.
Coding change: c.416del on transcript NM_001853.4 (MANE Select); coding-DNA position 416, one base deleted (G; older notation c.416delG).
Protein change: p.Gly139fs; shifts the reading frame from glycine 139.
Molecular consequence: frameshift variant.
Genome position (GRCh38, 1-based): chr20:62,821,803, G deleted; the last of 2 consecutive G bases (chr20:62,821,802-62,821,803); deleting either gives the same sequence. VCF-style (leftmost placement, unchanged base first): chr20-62821801-CG-C. GRCh37 (hg19) VCF-style: chr20-61453153-CG-C.
Other names: short protein forms G139fs.
Identifiers: ClinVar variation 4708359 (VCV004708359.1).

ClinVar aggregate classification (germline): Pathogenic (1 of 4 stars; one submission).

Submission:

Labcorp Genetics (formerly Invitae), Labcorp
Classification: Pathogenic. Last evaluated: 2025-11-22. Review status: criteria provided, single submitter. Criteria: Invitae Variant Classification Sherloc (09022015). Collection method: clinical testing. Allele origin: germline.
Comment: This sequence change creates a premature translational stop signal (p.Gly139Alafs*394) in the COL9A3 gene. It is expected to result in an absent or disrupted protein product. Loss-of-function variants in COL9A3 are known to be pathogenic (PMID: 24273071, 31090205). This variant is not present in population databases (gnomAD no frequency). This variant has not been reported in the literature in individuals affected with COL9A3-related conditions. For these reasons, this variant has been classified as Pathogenic.

Literature cited by the submitters: PubMed 24273071; PubMed 31090205.